The following is an entry in ClinVar:

NM_198428.3(BBS9):c.1016+9T>C

Gene: BBS9 (Bardet-Biedl syndrome 9; plus strand). Cytogenetic location: 7p14.3.
Variant type: single nucleotide variant.
Coding change: c.1016+9T>C on transcript NM_198428.3 (MANE Select); 9 bases into the intron after coding-DNA position 1016, T replaced by C.
Molecular consequence: intron variant.
Genome position (GRCh38, 1-based): chr7:33,273,965, T>C. VCF-style: chr7-33273965-T-C. GRCh37 (hg19) VCF-style: chr7-33313577-T-C.
Other names: c.1016+9T>C (NM_001348036.1, NM_001362679.1, NM_001348041.4 and 6 more transcripts); c.743+9T>C (NM_001348038.3, NM_001348039.3); c.650+9T>C (NM_001348037.3, NM_001348045.3, NM_001348046.3 and 1 more transcripts); c.881+9T>C (NM_001348042.3).
Identifiers: ClinVar variation 1574108 (VCV001574108.9), dbSNP rs1368671043, ClinGen allele CA573736387.

ClinVar aggregate classification (germline): Likely benign. Review status: criteria provided, multiple submitters, no conflicts (2 of 4 stars). 2 submissions from 2 submitters: Likely benign (2). Last evaluated 2025-12-23.

Conditions:
BBS9-related disorder. Also called: BBS9-related condition.
Bardet-Biedl syndrome (BBS). Identifiers: Orphanet 110, MedGen C0752166, MONDO:0015229.

Allele frequency attached by ClinVar (database versions not stated): gnomAD exomes below 0.00001; TOPMed below 0.00001; gnomAD 0.00001.
gnomAD v4.1: 3 of 1,613,478 alleles (0.00019%); highest among the groups gnomAD compares: African/African-American, 0.0027%; no homozygotes.

Submissions (2):

Labcorp Genetics (formerly Invitae), Labcorp
Classification: Likely benign for Bardet-Biedl syndrome. Last evaluated: 2025-12-23. Review status: criteria provided, single submitter. Criteria: Invitae Variant Classification Sherloc (09022015). Collection method: clinical testing. Allele origin: germline.

PreventionGenetics, part of Exact Sciences
Classification: Likely benign for BBS9-related condition. Last evaluated: 2025-07-10. Review status: criteria provided, single submitter. Criteria: ACMG Guidelines, 2015. Collection method: clinical testing. Allele origin: germline.
Comment: This variant is classified as likely benign based on ACMG/AMP sequence variant interpretation guidelines (Richards et al. 2015 PMID: 25741868, with internal and published modifications).